The following is an entry in ClinVar:

ClinVar aggregate classification (germline): Uncertain significance. Review status: criteria provided, multiple submitters, no conflicts (2 of 4 stars). 5 submissions from 5 submitters: Uncertain significance (4). 1 of the submissions does not count toward it. Last evaluated 2025-06-20.

Conditions:
Autosomal dominant polycystic kidney disease. Identifiers: Orphanet 730, MedGen C0085413, MONDO:0004691.
Polycystic kidney disease. Also called: Polycystic kidney dysplasia; Kidney, Polycystic. Identifiers: MedGen C0022680, MeSH D007690, MONDO:0020642, HP:0000113.
Polycystic kidney disease, adult type (PKD1). Also called: POLYCYSTIC KIDNEY DISEASE, ADULT, TYPE I; Polycystic Kidney, Autosomal Dominant; POLYCYSTIC KIDNEY DISEASE 1 WITH OR WITHOUT POLYCYSTIC LIVER DISEASE; Polycystic Kidney Disease 1, Autosomal Dominant; Polycystic kidney disease 1; Polycystic kidney disease 1, severe. Identifiers: MedGen C3149841, MONDO:0008263, OMIM 173900.

gnomAD v4.1: 1 of 1,609,628 alleles (0.000062%); highest among the groups gnomAD compares: Admixed American, 0.0017%; no homozygotes.

Submissions (5):

Women's Health and Genetics/Laboratory Corporation of America, LabCorp
Classification: Uncertain significance. Last evaluated: 2025-06-20. Review status: criteria provided, single submitter. Criteria: LabCorp Variant Classification Summary - May 2015. Collection method: clinical testing. Allele origin: germline.
Comment: Variant summary: PKD1 c.8282G>C (p.Arg2761Pro) results in a non-conservative amino acid change in the encoded protein sequence. Algorithms developed to predict the effect of missense changes on protein structure and function are either unavailable or do not agree on the potential impact of this missense change. The variant was absent in 247540 control chromosomes (gnomAD). The available data on variant occurrences in the general population are insufficient to allow any conclusion about variant significance. c.8282G>C has been observed in individuals affected with Polycystic Kidney Disease or Polycystic Liver Disease without strong evidence of causality (e.g., Watnick_1997, Sierks_2022). These reports do not provide unequivocal conclusions about association of the variant with PKD1-Biallelic Autosomal Recessive Polycystic Kidney Disease. To our knowledge, no experimental evidence demonstrating an impact on protein function has been reported. The following publications have been ascertained in the context of this evaluation (PMID: 9285784, 36246085). ClinVar contains an entry for this variant (Variation ID: 976838). Based on the evidence outlined above, the variant was classified as uncertain significance.

Fulgent Genetics
Classification: Uncertain significance for Polycystic kidney disease, adult type. Last evaluated: 2022-02-11. Review status: criteria provided, single submitter. Criteria: ACMG Guidelines, 2015. Collection method: clinical testing. Allele origin: unknown.

Blueprint Genetics
Classification: Uncertain significance. Last evaluated: 2020-12-07. Review status: criteria provided, single submitter. Criteria: ACMG Guidelines, 2015. Collection method: clinical testing. Allele origin: germline.

Molecular Genetics of Inherited Kidney Disorders Laboratory, Garvan Institute of Medical Research
Classification: Uncertain significance for Autosomal dominant polycystic kidney disease. Last evaluated: 2019-01-01. Review status: criteria provided, single submitter. Criteria: ACMG Guidelines, 2015. Collection method: research. Allele origin: germline. Affected: yes.

Department of Pathology and Laboratory Medicine, Sinai Health System
Classification: Uncertain significance for Polycystic Kidney disease. Review status: no assertion criteria provided. Collection method: clinical testing. Allele origin: unknown. Affected: yes. Study: The Canadian Open Genetics Repository (COGR). Not counted in ClinVar's aggregate classification.
Comment: The PKD1 p.Arg2761Pro variant was identified in 2 of 160 proband chromosomes (frequency: 0.0125) from individuals or families with ADPKD and was not identified in 100 control chromosomes from healthy individuals; both affected individuals also carried the PKD1 variants c.8279T>C, p.Met2760Thr and c.8291T>C, p.Met2764Thr (Watnick 1997). The variant was also identified 2X with no classification in the LOVD 3.0 database and in the ADPKD Mutation Database 1x as likely benign. The variant was not identified in dbSNP, ClinVar, COGR, PKD1-LOVD, databases. The variant was not identified in the 1000 Genomes Project, the NHLBI GO Exome Sequencing Project or the Exome Aggregation Consortium (August 8th 2016) control databases. The p.Arg2761Pro residue is not conserved in mammals and computational analyses (PolyPhen-2, SIFT, AlignGVGD, BLOSUM, MutationTaster) provide inconsistent predictions regarding the impact to the protein; this information is not very predictive of pathogenicity. The variant occurs outside of the splicing consensus sequence and in silico or computational prediction software programs (SpliceSiteFinder, MaxEntScan, NNSPLICE, GeneSplicer, HumanSpliceFinder) do not predict a difference in splicing. In summary, based on the above information the clinical significance of this variant cannot be determined with certainty at this time. This variant is classified as a variant of uncertain significance.

Literature cited by the submitters: PubMed 9285784 (cited by Women's Health and Genetics/Laboratory Corporation of America, LabCorp); PubMed 36246085 (cited by Women's Health and Genetics/Laboratory Corporation of America, LabCorp).

NM_001009944.3(PKD1):c.8282G>C (p.Arg2761Pro)

Gene: PKD1 (polycystin 1, transient receptor potential channel interacting; minus strand). Cytogenetic location: 16p13.3.
Variant type: single nucleotide variant.
Coding change: c.8282G>C on transcript NM_001009944.3 (MANE Select); coding-DNA position 8282, G replaced by C.
Protein change: p.Arg2761Pro; replaces arginine 2761 with proline.
Molecular consequence: missense variant.
Genome position (GRCh38, 1-based): chr16:2,103,775, C>G on the plus strand (G>C on the coding strand, the complement: PKD1 is on the minus strand). VCF-style: chr16-2103775-C-G. GRCh37 (hg19) VCF-style: chr16-2153776-C-G.
Other names: c.8282G>C, p.Arg2761Pro (NM_000296.4); short protein forms R2761P.
Identifiers: ClinVar variation 976838 (VCV000976838.5), dbSNP rs145629362, ClinGen allele CA394364847.